The following is an entry in ClinVar:

NM_000557.5(GDF5):c.488G>A (p.Arg163His)

Gene: GDF5 (growth differentiation factor 5; minus strand). Cytogenetic location: 20q11.22.
Variant type: single nucleotide variant.
Coding change: c.488G>A on transcript NM_000557.5 (MANE Select); coding-DNA position 488, G replaced by A.
Protein change: p.Arg163His; replaces arginine 163 with histidine.
Molecular consequence: missense variant.
Genome position (GRCh38, 1-based): chr20:35,437,441, C>T on the plus strand (G>A on the coding strand, the complement: GDF5 is on the minus strand). VCF-style: chr20-35437441-C-T. GRCh37 (hg19) VCF-style: chr20-34025221-C-T.
Other names: c.488G>A, p.Arg163His (NM_001319138.2); short protein forms R163H.
Identifiers: ClinVar variation 4738003 (VCV004738003.1).

ClinVar aggregate classification (germline): Uncertain significance (1 of 4 stars; one submission).

Submission:

Labcorp Genetics (formerly Invitae), Labcorp
Classification: Uncertain significance. Last evaluated: 2025-08-31. Review status: criteria provided, single submitter. Criteria: Invitae Variant Classification Sherloc (09022015). Collection method: clinical testing. Allele origin: germline.
Comment: This sequence change replaces arginine, which is basic and polar, with histidine, which is basic and polar, at codon 163 of the GDF5 protein (p.Arg163His). This variant is present in population databases (rs369142807, gnomAD 0.01%). This variant has not been reported in the literature in individuals affected with GDF5-related conditions. Invitae Evidence Modeling of protein sequence and biophysical properties (such as structural, functional, and spatial information, amino acid conservation, physicochemical variation, residue mobility, and thermodynamic stability) indicates that this missense variant is not expected to disrupt GDF5 protein function with a negative predictive value of 80%. In summary, the available evidence is currently insufficient to determine the role of this variant in disease. Therefore, it has been classified as a Variant of Uncertain Significance.